The following is an entry in ClinVar:

NM_001363711.2(DUOX2):c.355G>T (p.Val119Leu)

Gene: DUOX2 (dual oxidase 2; minus strand). Cytogenetic location: 15q21.1.
Variant type: single nucleotide variant.
Coding change: c.355G>T on transcript NM_001363711.2 (MANE Select); coding-DNA position 355, G replaced by T.
Protein change: p.Val119Leu; replaces valine 119 with leucine.
Molecular consequence: missense variant.
Genome position (GRCh38, 1-based): chr15:45,111,926, C>A on the plus strand (G>T on the coding strand, the complement: DUOX2 is on the minus strand). VCF-style: chr15-45111926-C-A. GRCh37 (hg19) VCF-style: chr15-45404124-C-A.
Other names: c.355G>T, p.Val119Leu (NM_014080.5); short protein forms V119L.
Identifiers: ClinVar variation 1022981 (VCV001022981.10), dbSNP rs138970496, ClinGen allele CA7538980.

ClinVar aggregate classification (germline): Uncertain significance. Review status: criteria provided, multiple submitters, no conflicts (2 of 4 stars). 2 submissions from 2 submitters: Uncertain significance (2). Last evaluated 2025-07-06.

Allele frequency attached by ClinVar (database versions not stated): ExAC 0.00005; TOPMed 0.00005; ESP Exome Variant Server 0.00015.
gnomAD v4.1: 266 of 1,613,566 alleles (0.016%); highest among the groups gnomAD compares: Non-Finnish European, 0.022%; no homozygotes.

Submissions (2):

Labcorp Genetics (formerly Invitae), Labcorp
Classification: Uncertain significance. Last evaluated: 2025-07-06. Review status: criteria provided, single submitter. Criteria: Invitae Variant Classification Sherloc (09022015). Collection method: clinical testing. Allele origin: germline.
Comment: This sequence change replaces valine, which is neutral and non-polar, with leucine, which is neutral and non-polar, at codon 119 of the DUOX2 protein (p.Val119Leu). This variant is present in population databases (rs138970496, gnomAD 0.008%). This variant has not been reported in the literature in individuals affected with DUOX2-related conditions. ClinVar contains an entry for this variant (Variation ID: 1022981). Invitae Evidence Modeling of protein sequence and biophysical properties (such as structural, functional, and spatial information, amino acid conservation, physicochemical variation, residue mobility, and thermodynamic stability) indicates that this missense variant is not expected to disrupt DUOX2 protein function with a negative predictive value of 80%. In summary, the available evidence is currently insufficient to determine the role of this variant in disease. Therefore, it has been classified as a Variant of Uncertain Significance.

GeneDx
Classification: Uncertain significance. Last evaluated: 2021-02-19. Review status: criteria provided, single submitter. Criteria: GeneDx Variant Classification Process June 2021. Collection method: clinical testing. Allele origin: germline. Affected: yes.
Comment: In silico analysis supports that this missense variant does not alter protein structure/function; Has not been previously published as pathogenic or benign to our knowledge